The following is an entry in ClinVar:

NM_000553.6(WRN):c.1535A>T (p.Asp512Val)

Gene: WRN (WRN RecQ like helicase; plus strand). Cytogenetic location: 8p12.
Variant type: single nucleotide variant.
Coding change: c.1535A>T on transcript NM_000553.6 (MANE Select); coding-DNA position 1535, A replaced by T.
Protein change: p.Asp512Val; replaces aspartic acid 512 with valine.
Molecular consequence: missense variant.
Genome position (GRCh38, 1-based): chr8:31,087,879, A>T. VCF-style: chr8-31087879-A-T. GRCh37 (hg19) VCF-style: chr8-30945395-A-T.
Other names: short protein forms D512V.
Identifiers: ClinVar variation 1019436 (VCV001019436.2), dbSNP rs763266496, ClinGen allele CA174863632.

ClinVar aggregate classification (germline): Uncertain significance (1 of 4 stars; one submission).

Conditions:
Werner syndrome (WRN). Identifiers: Orphanet 902, MedGen C0043119, MONDO:0010196, OMIM 277700.

Allele frequency attached by ClinVar (database versions not stated): TOPMed below 0.00001; gnomAD exomes 0.00001.
gnomAD v4.1: 18 of 1,613,700 alleles (0.0011%); highest among the groups gnomAD compares: Non-Finnish European, 0.0015%; no homozygotes.

Submission:

Labcorp Genetics (formerly Invitae), Labcorp
Classification: Uncertain significance for Werner syndrome. Last evaluated: 2022-08-16. Review status: criteria provided, single submitter. Criteria: Invitae Variant Classification Sherloc (09022015). Collection method: clinical testing. Allele origin: germline.
Comment: This sequence change replaces aspartic acid, which is acidic and polar, with valine, which is neutral and non-polar, at codon 512 of the WRN protein (p.Asp512Val). This variant is not present in population databases (gnomAD no frequency). This variant has not been reported in the literature in individuals affected with WRN-related conditions. ClinVar contains an entry for this variant (Variation ID: 1019436). Algorithms developed to predict the effect of missense changes on protein structure and function are either unavailable or do not agree on the potential impact of this missense change (SIFT: "Not Available"; PolyPhen-2: "Benign"; Align-GVGD: "Not Available"). In summary, the available evidence is currently insufficient to determine the role of this variant in disease. Therefore, it has been classified as a Variant of Uncertain Significance.